The following is an entry in ClinVar:

NM_001382347.1(MYO5A):c.4763G>A (p.Arg1588Gln)

Gene: MYO5A (myosin VA; minus strand). Cytogenetic location: 15q21.2.
Variant type: single nucleotide variant.
Coding change: c.4763G>A on transcript NM_001382347.1 (MANE Select); coding-DNA position 4763, G replaced by A.
Protein change: p.Arg1588Gln; replaces arginine 1588 with glutamine.
Molecular consequence: missense variant.
Genome position (GRCh38, 1-based): chr15:52,323,392, C>T on the plus strand (G>A on the coding strand, the complement: MYO5A is on the minus strand). VCF-style: chr15-52323392-C-T. GRCh37 (hg19) VCF-style: chr15-52615589-C-T.
Other names: c.4688G>A, p.Arg1563Gln (NM_000259.3); c.4607G>A, p.Arg1536Gln (NM_001142495.2); c.4835G>A, p.Arg1612Gln (NM_001382348.1); c.4760G>A, p.Arg1587Gln (NM_001382349.1); c.4679G>A, p.Arg1560Gln (NM_001411135.1); short protein forms R1560Q, R1563Q, R1587Q, R1588Q, R1612Q, R1536Q.
Identifiers: ClinVar variation 3699816 (VCV003699816.2).

ClinVar aggregate classification (germline): Uncertain significance (1 of 4 stars; one submission).

gnomAD v4.1: 5 of 1,613,566 alleles (0.00031%); highest among the groups gnomAD compares: Admixed American, 0.0017%; no homozygotes.

Submission:

Labcorp Genetics (formerly Invitae), Labcorp
Classification: Uncertain significance. Last evaluated: 2024-08-02. Review status: criteria provided, single submitter. Criteria: Invitae Variant Classification Sherloc (09022015). Collection method: clinical testing. Allele origin: germline.
Comment: This sequence change replaces arginine, which is basic and polar, with glutamine, which is neutral and polar, at codon 1563 of the MYO5A protein (p.Arg1563Gln). This variant is present in population databases (rs772825290, gnomAD 0.003%). This variant has not been reported in the literature in individuals affected with MYO5A-related conditions. Advanced modeling of protein sequence and biophysical properties (such as structural, functional, and spatial information, amino acid conservation, physicochemical variation, residue mobility, and thermodynamic stability) performed at Invitae indicates that this missense variant is expected to disrupt MYO5A protein function with a positive predictive value of 80%. In summary, the available evidence is currently insufficient to determine the role of this variant in disease. Therefore, it has been classified as a Variant of Uncertain Significance.